The following is an entry in ClinVar:

NM_001166108.2(PALLD):c.2353G>T (p.Asp785Tyr)

Genes: CBR4 (carbonyl reductase 4; minus strand), PALLD (palladin, cytoskeletal associated protein; plus strand). Cytogenetic location: 4q32.3.
Variant type: single nucleotide variant.
Coding change: c.2353G>T on transcript NM_001166108.2 (MANE Select); coding-DNA position 2353, G replaced by T.
Protein change: p.Asp785Tyr; replaces aspartic acid 785 with tyrosine.
Molecular consequence: missense variant.
Genome position (GRCh38, 1-based): chr4:168,898,595, G>T. VCF-style: chr4-168898595-G-T. GRCh37 (hg19) VCF-style: chr4-169819746-G-T.
Other names: c.1156G>T, p.Asp386Tyr (NM_001166109.2); c.841G>T, p.Asp281Tyr (NM_001166110.2); c.181G>T, p.Asp61Tyr (NM_001367567.1, NM_001367569.1); c.232G>T, p.Asp78Tyr (NM_001367568.1, NM_001367570.1); c.2302G>T, p.Asp768Tyr (NM_016081.4); short protein forms D281Y, D768Y, D785Y, D61Y, D78Y, D386Y.
Identifiers: ClinVar variation 188290 (VCV000188290.11), dbSNP rs759105985, ClinGen allele CA334539.

ClinVar aggregate classification (germline): Uncertain significance. Review status: criteria provided, multiple submitters, no conflicts (2 of 4 stars). 2 submissions from 2 submitters: Uncertain significance (2). Last evaluated 2023-03-23.

Conditions:
Pancreatic adenocarcinoma. Identifiers: MedGen C0281361, MONDO:0006047, HP:0006725.

Allele frequency attached by ClinVar (database versions not stated): TOPMed below 0.00001; ExAC 0.00001; gnomAD 0.00001; gnomAD exomes 0.00001.
gnomAD v4.1: 6 of 1,613,556 alleles (0.00037%); highest among the groups gnomAD compares: Middle Eastern, 0.016%; no homozygotes.

Submissions (2):

Labcorp Genetics (formerly Invitae), Labcorp
Classification: Uncertain significance for Pancreatic adenocarcinoma. Last evaluated: 2023-03-23. Review status: criteria provided, single submitter. Criteria: Invitae Variant Classification Sherloc (09022015). Collection method: clinical testing. Allele origin: germline.
Comment: In summary, the available evidence is currently insufficient to determine the role of this variant in disease. Therefore, it has been classified as a Variant of Uncertain Significance. An algorithm developed to predict the effect of missense changes on protein structure and function (PolyPhen-2) suggests that this variant is likely to be disruptive. ClinVar contains an entry for this variant (Variation ID: 188290). This variant has not been reported in the literature in individuals affected with PALLD-related conditions. This variant is present in population databases (rs759105985, gnomAD 0.003%). This sequence change replaces aspartic acid, which is acidic and polar, with tyrosine, which is neutral and polar, at codon 281 of the PALLD protein (p.Asp281Tyr).

Ambry Genetics
Classification: Uncertain significance. Last evaluated: 2021-06-26. Review status: criteria provided, single submitter. Criteria: Ambry Variant Classification Scheme 2023. Collection method: clinical testing. Allele origin: germline.
Comment: The p.D768Y variant (also known as c.2302G>T), located in coding exon 12 of the PALLD gene, results from a G to T substitution at nucleotide position 2302. The aspartic acid at codon 768 is replaced by tyrosine, an amino acid with highly dissimilar properties. This amino acid position is conserved. In addition, the in silico prediction for this alteration is inconclusive. Since supporting evidence is limited at this time, the clinical significance of this alteration remains unclear.